The following is an entry in ClinVar:

NM_004463.3(FGD1):c.697G>A (p.Gly233Ser)

Gene: FGD1 (FYVE, RhoGEF and PH domain containing 1; minus strand). Cytogenetic location: Xp11.22.
Variant type: single nucleotide variant.
Coding change: c.697G>A on transcript NM_004463.3 (MANE Select); coding-DNA position 697, G replaced by A.
Protein change: p.Gly233Ser; replaces glycine 233 with serine.
Molecular consequence: missense variant.
Genome position (GRCh38, 1-based): chrX:54,470,420, C>T on the plus strand (G>A on the coding strand, the complement: FGD1 is on the minus strand). VCF-style: chrX-54470420-C-T. GRCh37 (hg19) VCF-style: chrX-54496853-C-T.
Other names: short protein forms G233S.
Identifiers: ClinVar variation 2729780 (VCV002729780.3), dbSNP rs377764825, ClinGen allele CA10425223.

ClinVar aggregate classification (germline): Uncertain significance (1 of 4 stars; one submission).

Allele frequency attached by ClinVar (database versions not stated): ExAC 0.00001; gnomAD exomes 0.00002; gnomAD 0.00004; TOPMed 0.00005; ESP Exome Variant Server 0.00009.
gnomAD v4.1: 20 of 1,206,247 alleles (0.0017%); highest among the groups gnomAD compares: Non-Finnish European, 0.0022%; no homozygotes.

Submission:

Labcorp Genetics (formerly Invitae), Labcorp
Classification: Uncertain significance. Last evaluated: 2022-12-04. Review status: criteria provided, single submitter. Criteria: Invitae Variant Classification Sherloc (09022015). Collection method: clinical testing. Allele origin: germline.
Comment: In summary, the available evidence is currently insufficient to determine the role of this variant in disease. Therefore, it has been classified as a Variant of Uncertain Significance. Advanced modeling of protein sequence and biophysical properties (such as structural, functional, and spatial information, amino acid conservation, physicochemical variation, residue mobility, and thermodynamic stability) has been performed at Invitae for this missense variant, however the output from this modeling did not meet the statistical confidence thresholds required to predict the impact of this variant on FGD1 protein function. This variant has not been reported in the literature in individuals affected with FGD1-related conditions. The frequency data for this variant in the population databases is considered unreliable, as metrics indicate poor data quality at this position in the gnomAD database. This sequence change replaces glycine, which is neutral and non-polar, with serine, which is neutral and polar, at codon 233 of the FGD1 protein (p.Gly233Ser).